The following is an entry in ClinVar:

NM_000138.5(FBN1):c.6419G>A (p.Gly2140Glu)

Gene: FBN1 (fibrillin 1; minus strand). Cytogenetic location: 15q21.1.
Variant type: single nucleotide variant.
Coding change: c.6419G>A on transcript NM_000138.5 (MANE Select); coding-DNA position 6419, G replaced by A.
Protein change: p.Gly2140Glu; replaces glycine 2140 with glutamic acid.
Molecular consequence: missense variant.
Genome position (GRCh38, 1-based): chr15:48,437,038, C>T on the plus strand (G>A on the coding strand, the complement: FBN1 is on the minus strand). VCF-style: chr15-48437038-C-T. GRCh37 (hg19) VCF-style: chr15-48729235-C-T.
Other names: short protein forms G2140E.
Identifiers: ClinVar variation 418200 (VCV000418200.19), dbSNP rs1064793118, ClinGen allele CA16619944.

ClinVar aggregate classification (germline): Likely pathogenic. Review status: criteria provided, multiple submitters, no conflicts (2 of 4 stars). 2 submissions from 2 submitters: Likely pathogenic (2). Last evaluated 2021-03-01.

Conditions:
Marfan syndrome (MFS). Also called: MARFAN SYNDROME, TYPE I; FBN1-Related Marfan Syndrome; Marfan syndrome type 1; Marfan's syndrome; Marfan syndrome, classic. Identifiers: Orphanet 284963, Orphanet 558, MedGen C0024796, MONDO:0007947, OMIM 154700.

Submissions (2):

Centre of Medical Genetics, University of Antwerp
Classification: Likely pathogenic for Marfan syndrome. Last evaluated: 2021-03-01. Review status: criteria provided, single submitter. Criteria: Submitter's publication. Collection method: research. Allele origin: unknown. Affected: yes.
Comment: PM2, PS1, PP4

GeneDx
Classification: Likely pathogenic. Last evaluated: 2015-03-19. Review status: criteria provided, single submitter. Criteria: GeneDx Variant Classification (06012015). Collection method: clinical testing. Allele origin: germline. Affected: yes.
Comment: G2140E was absent from 190 ethnically matched control chromosomes; however, segregation studies were not available for this individual's family (Khua Van Kien et al., 2010). Located within the EGF-like 46 calcium-binding domain of the FBN1 gene, the G2140E variant is a non-conservative amino acid substitution, which is likely to impact secondary protein structure as these residues differ in polarity, charge, size and/or other properties. This substitution occurs at a position that is conserved across species. In silico analysis predicts this variant is probably damaging to the protein structure/function. Variants in nearby residues (E2130K, V2136D, C2142Y, I2143N) have been reported in HGMD in association with FBN1-related disorders (Stenson P et al., 2014), further supporting the functional importance of this region of the protein. Furthermore, the G2140E variant was not observed in approximately 6,500 individuals of European and African American ancestry in the NHLBI Exome Sequencing Project, indicating it is not a common benign variant in these populations.Therefore, this variant is a strong candidate for a pathogenic variant, however the possibility that it is a benign variant cannot be excluded.